The following is an entry in ClinVar:

NM_000027.4(AGA):c.290T>C (p.Met97Thr)

Gene: AGA (aspartylglucosaminidase; minus strand). Cytogenetic location: 4q34.3.
Variant type: single nucleotide variant.
Coding change: c.290T>C on transcript NM_000027.4 (MANE Select); coding-DNA position 290, T replaced by C.
Protein change: p.Met97Thr; replaces methionine 97 with threonine.
Molecular consequence: missense variant. On other transcripts: non-coding transcript variant (1).
Genome position (GRCh38, 1-based): chr4:177,439,680, A>G on the plus strand (T>C on the coding strand, the complement: AGA is on the minus strand). VCF-style: chr4-177439680-A-G. GRCh37 (hg19) VCF-style: chr4-178360834-A-G.
Other names: c.290T>C, p.Met97Thr (NM_001171988.2); short protein forms M97T.
Identifiers: ClinVar variation 2058213 (VCV002058213.2), dbSNP rs1158333127, ClinGen allele CA358783890.

ClinVar aggregate classification (germline): Uncertain significance (1 of 4 stars; one submission).

Conditions:
Aspartylglucosaminuria (AGU). Also called: Aspartylglucos-aminuria; Aspartylglucos-amidase (AGA) deficiency; AGA DEFICIENCY; GLYCOASPARAGINASE; GLYCOSYLASPARAGINASE DEFICIENCY. Identifiers: Orphanet 93, MedGen C0268225, MONDO:0008830, OMIM 208400, HP:0012068.

Allele frequency attached by ClinVar (database versions not stated): gnomAD exomes below 0.00001; gnomAD 0.00001.
gnomAD v4.1: 3 of 1,606,734 alleles (0.00019%); highest among the groups gnomAD compares: Admixed American, 0.005%; no homozygotes.

Submission:

Labcorp Genetics (formerly Invitae), Labcorp
Classification: Uncertain significance for Aspartylglucosaminuria. Last evaluated: 2025-07-28. Review status: criteria provided, single submitter. Criteria: Invitae Variant Classification Sherloc (09022015). Collection method: clinical testing. Allele origin: germline.
Comment: This sequence change replaces methionine, which is neutral and non-polar, with threonine, which is neutral and polar, at codon 97 of the AGA protein (p.Met97Thr). This variant is present in population databases (no rsID available, gnomAD 0.006%). This variant has not been reported in the literature in individuals affected with AGA-related conditions. ClinVar contains an entry for this variant (Variation ID: 2058213). Invitae Evidence Modeling of protein sequence and biophysical properties (such as structural, functional, and spatial information, amino acid conservation, physicochemical variation, residue mobility, and thermodynamic stability) indicates that this missense variant is expected to disrupt AGA protein function with a positive predictive value of 80%. In summary, the available evidence is currently insufficient to determine the role of this variant in disease. Therefore, it has been classified as a Variant of Uncertain Significance.